The following is an entry in ClinVar:

NM_006766.5(KAT6A):c.3278T>C (p.Val1093Ala)

Gene: KAT6A (lysine acetyltransferase 6A; minus strand). Cytogenetic location: 8p11.21.
Variant type: single nucleotide variant.
Coding change: c.3278T>C on transcript NM_006766.5 (MANE Select); coding-DNA position 3278, T replaced by C.
Protein change: p.Val1093Ala; replaces valine 1093 with alanine.
Molecular consequence: missense variant.
Genome position (GRCh38, 1-based): chr8:41,937,330, A>G on the plus strand (T>C on the coding strand, the complement: KAT6A is on the minus strand). VCF-style: chr8-41937330-A-G. GRCh37 (hg19) VCF-style: chr8-41794848-A-G.
Other names: short protein forms V1093A.
Identifiers: ClinVar variation 4747382 (VCV004747382.1).

ClinVar aggregate classification (germline): Uncertain significance (1 of 4 stars; one submission).

gnomAD v4.1: 2 of 1,614,104 alleles (0.00012%); highest among the groups gnomAD compares: Non-Finnish European, 0.00017%; no homozygotes.

Submission:

Labcorp Genetics (formerly Invitae), Labcorp
Classification: Uncertain significance. Last evaluated: 2025-04-11. Review status: criteria provided, single submitter. Criteria: Invitae Variant Classification Sherloc (09022015). Collection method: clinical testing. Allele origin: germline.
Comment: This sequence change replaces valine, which is neutral and non-polar, with alanine, which is neutral and non-polar, at codon 1093 of the KAT6A protein (p.Val1093Ala). This variant is not present in population databases (gnomAD no frequency). This variant has not been reported in the literature in individuals affected with KAT6A-related conditions. Invitae Evidence Modeling of protein sequence and biophysical properties (such as structural, functional, and spatial information, amino acid conservation, physicochemical variation, residue mobility, and thermodynamic stability) indicates that this missense variant is not expected to disrupt KAT6A protein function with a negative predictive value of 95%. In summary, the available evidence is currently insufficient to determine the role of this variant in disease. Therefore, it has been classified as a Variant of Uncertain Significance.